The following is an entry in ClinVar:

ClinVar aggregate classification (germline): Uncertain significance (1 of 4 stars; one submission).

Conditions:
Inborn genetic diseases. Identifiers: MedGen C0950123, MeSH D030342.

Submission:

Ambry Genetics
Classification: Uncertain significance for Inborn genetic diseases. Last evaluated: 2024-12-08. Review status: criteria provided, single submitter. Criteria: Ambry Variant Classification Scheme 2023. Collection method: clinical testing. Allele origin: germline.
Comment: The p.Q1014H variant (also known as c.3042G>C), located in coding exon 30 of the RTEL1 gene, results from a G to C substitution at nucleotide position 3042. The glutamine at codon 1014 is replaced by histidine, an amino acid with highly similar properties. This amino acid position is conserved. In addition, this alteration is predicted to be tolerated by in silico analysis. Based on the available evidence, the clinical significance of this variant remains unclear.

NM_001283009.2(RTEL1):c.3042G>C (p.Gln1014His)

Genes: RTEL1 (regulator of telomere elongation helicase 1; plus strand), RTEL1-TNFRSF6B (RTEL1-TNFRSF6B readthrough (NMD candidate); plus strand). Cytogenetic location: 20q13.33.
Variant type: single nucleotide variant.
Coding change: c.3042G>C on transcript NM_001283009.2 (MANE Select); coding-DNA position 3042, G replaced by C.
Protein change: p.Gln1014His; replaces glutamine 1014 with histidine.
Molecular consequence: missense variant. On other transcripts: non-coding transcript variant (1).
Genome position (GRCh38, 1-based): chr20:63,694,421, G>C. VCF-style: chr20-63694421-G-C. GRCh37 (hg19) VCF-style: chr20-62325774-G-C.
Other names: c.2373G>C, p.Gln791His (NM_001283010.1); c.3042G>C, p.Gln1014His (NM_016434.4); c.3114G>C, p.Gln1038His (NM_032957.5); short protein forms Q1038H, Q1014H, Q791H.
Identifiers: ClinVar variation 3436049 (VCV003436049.1).